The following is an entry in ClinVar:

ClinVar aggregate classification (germline): Benign (1 of 4 stars; one submission).

Allele frequency attached by ClinVar (database versions not stated): 1000 Genomes Project 30x 0.37633; 1000 Genomes Project 0.37700; TOPMed 0.38898; gnomAD 0.39062 and 0.39266.
gnomAD v4.1: 59,196 of 151,828 alleles (39%); highest among the groups gnomAD compares: African/African-American, 48%; 11,962 homozygotes.

Submission:

GeneDx
Classification: Benign. Last evaluated: 2018-06-19. Review status: criteria provided, single submitter. Criteria: GeneDx Variant Classification (06012015). Collection method: clinical testing. Allele origin: germline. Affected: yes.
Comment: This variant is considered likely benign or benign based on one or more of the following criteria: it is a conservative change, it occurs at a poorly conserved position in the protein, it is predicted to be benign by multiple in silico algorithms, and/or has population frequency not consistent with disease.

NM_001851.6(COL9A1):c.1065+271C>T

Gene: COL9A1 (collagen type IX alpha 1 chain; minus strand). Cytogenetic location: 6q13.
Variant type: single nucleotide variant.
Coding change: c.1065+271C>T on transcript NM_001851.6 (MANE Select); 271 bases into the intron after coding-DNA position 1065, C replaced by T.
Molecular consequence: intron variant.
Genome position (GRCh38, 1-based): chr6:70,273,776, G>A on the plus strand (C>T on the coding strand, the complement: COL9A1 is on the minus strand). VCF-style: chr6-70273776-G-A. GRCh37 (hg19) VCF-style: chr6-70983479-G-A.
Other names: c.336+271C>T (NM_001377290.1, NM_078485.4, NM_001377289.1).
Identifiers: ClinVar variation 668967 (VCV000668967.1), dbSNP rs7754619, ClinGen allele CA15434404.
Genomic context (GRCh38, chr6:70,273,776, plus strand): 5'-GCTGTTGTTATGCAAGAAGTGTTTTCTATCATGGCAGGTAAAGAGGGAATTGTCTGCTGG[G>A]AAATACCACCTGCAAATAGAATATATATTTTCTACTGTACATTCAAACTTCTCTAAAATT-3'